The following is an entry in ClinVar:

NM_022114.4(PRDM16):c.3365A>G (p.Asp1122Gly)

Gene: PRDM16 (PR/SET domain 16; plus strand). Cytogenetic location: 1p36.32.
Variant type: single nucleotide variant.
Coding change: c.3365A>G on transcript NM_022114.4 (MANE Select); coding-DNA position 3365, A replaced by G.
Protein change: p.Asp1122Gly; replaces aspartic acid 1122 with glycine.
Molecular consequence: missense variant.
Genome position (GRCh38, 1-based): chr1:3,430,952, A>G. VCF-style: chr1-3430952-A-G. GRCh37 (hg19) VCF-style: chr1-3347516-A-G.
Other names: c.3365A>G, p.Asp1122Gly (NM_199454.3); short protein forms D1122G.
Identifiers: ClinVar variation 1460736 (VCV001460736.6), dbSNP rs1197356969, ClinGen allele CA338003924.
Genomic context (GRCh38, chr1:3,430,952, plus strand): 5'-ACGGCAGTGCCCAGTGTCCAGGCCTAGCCAGTGAGAAGCAGGAGGACGTGGAGGAGGAGG[A>G]CGACGATGACCTGGAGGAGGACGATGAGGACAGCCTGGCCGGGAAGTCGCAGGATGACAC-3'
Protein context (NP_071397.3, residues 1112-1132): SEKQEDVEEE[Asp1122Gly]DDDLEEDDED

ClinVar aggregate classification (germline): Uncertain significance (1 of 4 stars; one submission).

Conditions:
Left ventricular noncompaction 8 (LVNC8). Identifiers: Orphanet 154, Orphanet 54260, MedGen C3809288, MONDO:0014152, OMIM 615373.

Allele frequency attached by ClinVar (database versions not stated): gnomAD exomes below 0.00001.
gnomAD v4.1: 2 of 1,613,548 alleles (0.00012%); highest among the groups gnomAD compares: East Asian, 0.0022%; no homozygotes.

Submission:

Labcorp Genetics (formerly Invitae), Labcorp
Classification: Uncertain significance for Left ventricular noncompaction 8. Last evaluated: 2025-12-01. Review status: criteria provided, single submitter. Criteria: Invitae Variant Classification Sherloc (09022015). Collection method: clinical testing. Allele origin: germline.
Comment: This sequence change replaces aspartic acid, which is acidic and polar, with glycine, which is neutral and non-polar, at codon 1122 of the PRDM16 protein (p.Asp1122Gly). This variant is not present in population databases (gnomAD no frequency). This variant has not been reported in the literature in individuals affected with PRDM16-related conditions. ClinVar contains an entry for this variant (Variation ID: 1460736). An algorithm developed to predict the effect of missense changes on protein structure and function (PolyPhen-2) suggests that this variant is likely to be tolerated. In summary, the available evidence is currently insufficient to determine the role of this variant in disease. Therefore, it has been classified as a Variant of Uncertain Significance.